The following is an entry in ClinVar:

NM_002336.3(LRP6):c.1514A>G (p.Tyr505Cys)

Gene: LRP6 (LDL receptor related protein 6; minus strand). Cytogenetic location: 12p13.2.
Variant type: single nucleotide variant.
Coding change: c.1514A>G on transcript NM_002336.3 (MANE Select); coding-DNA position 1514, A replaced by G.
Protein change: p.Tyr505Cys; replaces tyrosine 505 with cysteine.
Molecular consequence: missense variant. On other transcripts: non-coding transcript variant (1).
Genome position (GRCh38, 1-based): chr12:12,179,841, T>C on the plus strand (A>G on the coding strand, the complement: LRP6 is on the minus strand). VCF-style: chr12-12179841-T-C. GRCh37 (hg19) VCF-style: chr12-12332775-T-C.
Other names: c.1514A>G, p.Tyr505Cys (NM_001414244.1, NM_001414245.1, NM_001414246.1 and 5 more transcripts); c.1316A>G, p.Tyr439Cys (NM_001414247.1); c.1061A>G, p.Tyr354Cys (NM_001414252.1, NM_001414253.1, NM_001414254.1); short protein forms Y505C, Y354C, Y439C.
Identifiers: ClinVar variation 4709920 (VCV004709920.1).
Genomic context (GRCh38, chr12:12,179,841, plus strand): 5'-GCTTGAAAATGAAAAAGCAAAAAACAAACCTCAATCTTGTCTGTTTTGGCATCTCCCCAG[T>C]ATATTTTGCCTTCATCATAATCCAAGGCTAAACCATTTGGCCAACCAAGAGAAGTGTTAA-3'
Protein context (NP_002327.2, residues 495-515): LALDYDEGKI[Tyr505Cys]WGDAKTDKIE

ClinVar aggregate classification (germline): Uncertain significance (1 of 4 stars; one submission).

gnomAD v4.1: 8 of 1,613,786 alleles (0.0005%); highest among the groups gnomAD compares: South Asian, 0.0066%; no homozygotes.

Submission:

Labcorp Genetics (formerly Invitae), Labcorp
Classification: Uncertain significance. Last evaluated: 2025-04-01. Review status: criteria provided, single submitter. Criteria: Invitae Variant Classification Sherloc (09022015). Collection method: clinical testing. Allele origin: germline.
Comment: This sequence change replaces tyrosine, which is neutral and polar, with cysteine, which is neutral and slightly polar, at codon 505 of the LRP6 protein (p.Tyr505Cys). This variant is present in population databases (rs764096289, gnomAD 0.006%). This missense change has been observed in individual(s) with neural tube defects (PMID: 28960852). Invitae Evidence Modeling of protein sequence and biophysical properties (such as structural, functional, and spatial information, amino acid conservation, physicochemical variation, residue mobility, and thermodynamic stability) indicates that this missense variant is expected to disrupt LRP6 protein function with a positive predictive value of 80%. Experimental studies have shown that this missense change affects LRP6 function (PMID: 28960852). In summary, the available evidence is currently insufficient to determine the role of this variant in disease. Therefore, it has been classified as a Variant of Uncertain Significance.

Literature cited by the submitters: PubMed 28960852.